The following is an entry in ClinVar:

ClinVar aggregate classification (germline): Likely benign. Review status: criteria provided, multiple submitters, no conflicts (2 of 4 stars). 2 submissions from 2 submitters: Likely benign (2). Last evaluated 2025-10-03.

Conditions:
Episodic ataxia type 2 (EA2). Also called: ATAXIA, EPISODIC, WITH NYSTAGMUS; ATAXIA, FAMILIAL PAROXYSMAL; CEREBELLAR ATAXIA, PAROXYSMAL, ACETAZOLAMIDE-RESPONSIVE; CEREBELLOPATHY, HEREDITARY PAROXYSMAL; ACETAZOLAMIDE-RESPONSIVE HEREDITARY PAROXYSMAL CEREBELLAR ATAXIA; EPISODIC ATAXIA, NYSTAGMUS-ASSOCIATED. Identifiers: Orphanet 97, MedGen C1720416, MONDO:0007163, OMIM 108500.
Developmental and epileptic encephalopathy, 42 (DEE42A). Also called: DEVELOPMENTAL AND EPILEPTIC ENCEPHALOPATHY 42A; EPILEPTIC ENCEPHALOPATHY, EARLY INFANTILE, 42A; Epileptic encephalopathy, early infantile, 42. Identifiers: MedGen C4310716, MONDO:0014917, OMIM 617106.

Allele frequency attached by ClinVar (database versions not stated): gnomAD exomes 0.00002 and 0.00003; TOPMed 0.00002.
gnomAD v4.1: 38 of 1,555,666 alleles (0.0024%); highest among the groups gnomAD compares: Middle Eastern, 0.017%; no homozygotes.

Submissions (2):

Labcorp Genetics (formerly Invitae), Labcorp
Classification: Likely benign for Developmental and epileptic encephalopathy, 42; Episodic ataxia type 2. Last evaluated: 2025-10-03. Review status: criteria provided, single submitter. Criteria: Invitae Variant Classification Sherloc (09022015). Collection method: clinical testing. Allele origin: germline.

GeneDx
Classification: Likely benign. Last evaluated: 2016-08-16. Review status: criteria provided, single submitter. Criteria: GeneDx Variant Classification (06012015). Collection method: clinical testing. Allele origin: germline. Affected: yes.
Comment: This variant is considered likely benign or benign based on one or more of the following criteria: it is a conservative change, it occurs at a poorly conserved position in the protein, it is predicted to be benign by multiple in silico algorithms, and/or has population frequency not consistent with disease.

NM_001127222.2(CACNA1A):c.5731+20G>A

Gene: CACNA1A (calcium voltage-gated channel subunit alpha1 A; minus strand). Cytogenetic location: 19p13.13.
Variant type: single nucleotide variant.
Coding change: c.5731+20G>A on transcript NM_001127222.2 (MANE Select); 20 bases into the intron after coding-DNA position 5731, G replaced by A.
Molecular consequence: intron variant.
Genome position (GRCh38, 1-based): chr19:13,224,647, C>T on the plus strand (G>A on the coding strand, the complement: CACNA1A is on the minus strand). VCF-style: chr19-13224647-C-T. GRCh37 (hg19) VCF-style: chr19-13335461-C-T.
Other names: c.5734+20G>A (NM_001127221.2); c.5740+20G>A (NM_001174080.2); c.5749+20G>A (NM_000068.4, NM_023035.3).
Identifiers: ClinVar variation 388681 (VCV000388681.9), dbSNP rs774752183, ClinGen allele CA16608054.
Genomic context (GRCh38, chr19:13,224,647, plus strand): 5'-CCTCTAGTTTGGGGTAGGGAGGGAGATCCCCGGTTCCACCCTGTCACGCCTGTCTGTGCC[C>T]GCCCCTGTCCCTTCCTTACCCTTGGCAATCTTGATGTCCAGGGCTGTGCGGATCAGAGCC-3'